The following is an entry in ClinVar:

NM_001278669.2(NFATC1):c.2280G>A (p.Ala760=)

Gene: NFATC1 (nuclear factor of activated T cells 1; plus strand). Cytogenetic location: 18q23.
Variant type: single nucleotide variant.
Coding change: c.2280G>A on transcript NM_001278669.2 (MANE Select); coding-DNA position 2280, G replaced by A.
Protein change: p.Ala760=; no amino-acid change (alanine 760 retained).
Molecular consequence: synonymous variant. On other transcripts: intron variant (2).
Genome position (GRCh38, 1-based): chr18:79,486,435, G>A. VCF-style: chr18-79486435-G-A. GRCh37 (hg19) VCF-style: chr18-77246435-G-A.
Other names: c.2280G>A (NM_001278669.1); c.864G>A, p.Ala288= (NM_001278673.2, NM_172388.3); c.2280G>A, p.Ala760= (NM_006162.5); c.2241G>A, p.Ala747= (NM_172387.3, NM_172389.3); c.2092+18853G>A (NM_001278670.2); c.2053+18853G>A (NM_001278672.2).
Identifiers: ClinVar variation 1601079 (VCV001601079.11), dbSNP rs1063671, ClinGen allele CA9009582.

ClinVar aggregate classification (germline): Benign. Review status: criteria provided, multiple submitters, no conflicts (2 of 4 stars). 3 submissions from 3 submitters: Benign (2). 1 of the submissions does not count toward it. Last evaluated 2026-02-01.

Conditions:
NFATC1-related disorder. Also called: NFATC1-related condition.

Allele frequency attached by ClinVar (database versions not stated): ExAC 0.01415; gnomAD 0.04325 and 0.04597; TOPMed 0.04944; ESP Exome Variant Server 0.05022; 1000 Genomes Project 0.05312; 1000 Genomes Project 30x 0.05684.
gnomAD v4.1: 13,277 of 1,612,120 alleles (0.82%); highest among the groups gnomAD compares: African/African-American, 15%; 863 homozygotes.

Submissions (3):

Labcorp Genetics (formerly Invitae), Labcorp
Classification: Benign. Last evaluated: 2026-02-01. Review status: criteria provided, single submitter. Criteria: Invitae Variant Classification Sherloc (09022015). Collection method: clinical testing. Allele origin: germline.

Breakthrough Genomics
Classification: Benign. Review status: criteria provided, single submitter. Criteria: ACMG Guidelines, 2015. Collection method: not provided. Allele origin: germline. Inheritance: Unknown mechanism. Affected: yes.

PreventionGenetics, part of Exact Sciences
Classification: Benign for NFATC1-related condition. Last evaluated: 2019-06-26. Review status: no assertion criteria provided. Collection method: clinical testing. Allele origin: germline. Not counted in ClinVar's aggregate classification.
Comment: This variant is classified as benign based on ACMG/AMP sequence variant interpretation guidelines (Richards et al. 2015 PMID: 25741868, with internal and published modifications).